The following is an entry in ClinVar:

NM_000256.3(MYBPC3):c.776delinsTT (p.Ala259fs)

Gene: MYBPC3 (myosin binding protein C3; minus strand). Cytogenetic location: 11p11.2.
Variant type: Indel.
Coding change: c.776delinsTT on transcript NM_000256.3 (MANE Select); coding-DNA position 776, C replaced by TT.
Protein change: p.Ala259fs; shifts the reading frame from alanine 259.
Molecular consequence: frameshift variant.
Genome position (GRCh38, 1-based): chr11:47,347,902, G replaced by AA on the plus strand (C replaced by TT on the coding strand, the reverse complement: MYBPC3 is on the minus strand). VCF-style: chr11-47347902-G-AA. GRCh37 (hg19) VCF-style: chr11-47369453-G-AA.
Other names: short protein forms A259fs.
Identifiers: ClinVar variation 4689837 (VCV004689837.1).

ClinVar aggregate classification (germline): Likely pathogenic (1 of 4 stars; one submission).

Submission:

GeneDx
Classification: Likely pathogenic. Last evaluated: 2025-07-31. Review status: criteria provided, single submitter. Criteria: GeneDx Variant Classification Process June 2021. Collection method: clinical testing. Allele origin: germline. Affected: yes.
Comment: Frameshift variant predicted to result in protein truncation or nonsense mediated decay in a gene for which loss of function is a known mechanism of disease; Not observed at significant frequency in large population cohorts (gnomAD); This variant is associated with the following publications: (PMID: 36129056)